The following is an entry in ClinVar:

NM_015909.4(NBAS):c.3751C>T (p.Gln1251Ter)

Gene: NBAS (NBAS subunit of NRZ tethering complex; minus strand). Cytogenetic location: 2p24.3.
Variant type: single nucleotide variant.
Coding change: c.3751C>T on transcript NM_015909.4 (MANE Select); coding-DNA position 3751, C replaced by T.
Protein change: p.Gln1251Ter; replaces glutamine 1251 with a stop codon.
Molecular consequence: nonsense. On other transcripts: non-coding transcript variant (1).
Genome position (GRCh38, 1-based): chr2:15,366,646, G>A on the plus strand (C>T on the coding strand, the complement: NBAS is on the minus strand). VCF-style: chr2-15366646-G-A. GRCh37 (hg19) VCF-style: chr2-15506770-G-A.
Other names: short protein forms Q1251*.
Identifiers: ClinVar variation 1452860 (VCV001452860.6), dbSNP rs1674218963, ClinGen allele CA345894432.
Genomic context (GRCh38, chr2:15,366,646, plus strand): 5'-CCCTCAGCAGCTCAGCAAGGCCCAGAAGCTTGGTGGATTGTTTATAGCATGTGGGGGACT[G>A]GGAAATACACTCCTTGATGAGACTGATCCGATCAGGGCACAATCGCACTACAAAAGAAAG-3'

ClinVar aggregate classification (germline): Pathogenic (1 of 4 stars; one submission).

Submission:

Labcorp Genetics (formerly Invitae), Labcorp
Classification: Pathogenic. Last evaluated: 2022-09-06. Review status: criteria provided, single submitter. Criteria: Invitae Variant Classification Sherloc (09022015). Collection method: clinical testing. Allele origin: germline.
Comment: This sequence change creates a premature translational stop signal (p.Gln1251*) in the NBAS gene. It is expected to result in an absent or disrupted protein product. Loss-of-function variants in NBAS are known to be pathogenic (PMID: 26073778, 26541327, 27789416, 28031453). This variant is not present in population databases (gnomAD no frequency). This variant has not been reported in the literature in individuals affected with NBAS-related conditions. ClinVar contains an entry for this variant (Variation ID: 1452860). For these reasons, this variant has been classified as Pathogenic.

Literature cited by the submitters: PubMed 26073778; PubMed 26541327; PubMed 27789416; PubMed 28031453.